The following is an entry in ClinVar:

ClinVar aggregate classification (germline): Uncertain significance (1 of 4 stars; one submission).

Submission:

GeneDx
Classification: Uncertain significance. Last evaluated: 2017-05-30. Review status: criteria provided, single submitter. Criteria: GeneDx Variant Classification (06012015). Collection method: clinical testing. Allele origin: germline. Affected: yes.
Comment: The G267R variant in the POT1 gene has not been reported previously as a pathogenic variant, nor as a benign variant, to our knowledge. This variant is not observed in large population cohorts (Lek et al., 2016; 1000 Genomes Consortium et al., 2015; Exome Variant Server). The G267R variant is a non-conservative amino acid substitution, which is likely to impact secondary protein structure as these residues differ in polarity, charge, size and/or other properties. In addition, this substitution occurs at a position that is conserved across species, and in silico analysis predicts this variant is probably damaging to the protein structure/function. As there is not enough information currently available to determine if this variant is pathogenic or benign, we interpret G267R as a variant of uncertain significance.

NM_015450.3(POT1):c.799G>A (p.Gly267Arg)

Gene: POT1 (protection of telomeres 1; minus strand). Cytogenetic location: 7q31.33.
Variant type: single nucleotide variant.
Coding change: c.799G>A on transcript NM_015450.3 (MANE Select); coding-DNA position 799, G replaced by A.
Protein change: p.Gly267Arg; replaces glycine 267 with arginine.
Molecular consequence: missense variant. On other transcripts: non-coding transcript variant (3).
Genome position (GRCh38, 1-based): chr7:124,853,042, C>T on the plus strand (G>A on the coding strand, the complement: POT1 is on the minus strand). VCF-style: chr7-124853042-C-T. GRCh37 (hg19) VCF-style: chr7-124493096-C-T.
Other names: c.406G>A, p.Gly136Arg (NM_001042594.2); short protein forms G267R, G136R.
Identifiers: ClinVar variation 430475 (VCV000430475.2), dbSNP rs1131691987, ClinGen allele CA369055412.